The following is an entry in ClinVar:

ClinVar aggregate classification (germline): Uncertain significance (1 of 4 stars; one submission).

Conditions:
Cohen syndrome (COH1). Also called: PEPPER SYNDROME; Cutis verticis gyrata, retinitis pigmentosa, and sensorineural deafness. Identifiers: Orphanet 193, MedGen C0265223, MONDO:0008999, OMIM 216550.

Submission:

Labcorp Genetics (formerly Invitae), Labcorp
Classification: Uncertain significance for Cohen syndrome. Last evaluated: 2023-04-28. Review status: criteria provided, single submitter. Criteria: Invitae Variant Classification Sherloc (09022015). Collection method: clinical testing. Allele origin: germline.
Comment: This sequence change replaces lysine, which is basic and polar, with arginine, which is basic and polar, at codon 1762 of the VPS13B protein (p.Lys1762Arg). This variant is not present in population databases (gnomAD no frequency). This variant has not been reported in the literature in individuals affected with VPS13B-related conditions. Advanced modeling of protein sequence and biophysical properties (such as structural, functional, and spatial information, amino acid conservation, physicochemical variation, residue mobility, and thermodynamic stability) performed at Invitae indicates that this missense variant is not expected to disrupt VPS13B protein function. In summary, the available evidence is currently insufficient to determine the role of this variant in disease. Therefore, it has been classified as a Variant of Uncertain Significance.

NM_152564.5(VPS13B):c.5210A>G (p.Lys1737Arg)

Gene: VPS13B (vacuolar protein sorting 13 homolog B; plus strand). Cytogenetic location: 8q22.2.
Variant type: single nucleotide variant.
Coding change: c.5210A>G on transcript NM_152564.5 (MANE Select); coding-DNA position 5210, A replaced by G.
Protein change: p.Lys1737Arg; replaces lysine 1737 with arginine.
Molecular consequence: missense variant.
Genome position (GRCh38, 1-based): chr8:99,577,623, A>G. VCF-style: chr8-99577623-A-G. GRCh37 (hg19) VCF-style: chr8-100589851-A-G.
Other names: c.5285A>G, p.Lys1762Arg (NM_017890.5); short protein forms K1737R, K1762R.
Identifiers: ClinVar variation 2851794 (VCV002851794.3), dbSNP rs766076850, ClinGen allele CA371875503.